The following is an entry in ClinVar:

NM_000310.4(PPT1):c.89C>T (p.Pro30Leu)

Gene: PPT1 (palmitoyl-protein thioesterase 1; minus strand). Cytogenetic location: 1p34.2.
Variant type: single nucleotide variant.
Coding change: c.89C>T on transcript NM_000310.4 (MANE Select); coding-DNA position 89, C replaced by T.
Protein change: p.Pro30Leu; replaces proline 30 with leucine.
Molecular consequence: missense variant.
Genome position (GRCh38, 1-based): chr1:40,097,150, G>A on the plus strand (C>T on the coding strand, the complement: PPT1 is on the minus strand). VCF-style: chr1-40097150-G-A. GRCh37 (hg19) VCF-style: chr1-40562822-G-A.
Other names: c.89C>T, p.Pro30Leu (NM_001142604.2, NM_001363695.2); short protein forms P30L.
Identifiers: ClinVar variation 1439277 (VCV001439277.3), dbSNP rs757268571, ClinGen allele CA789838.

ClinVar aggregate classification (germline): Uncertain significance (1 of 4 stars; one submission).

Conditions:
Neuronal ceroid lipofuscinosis 1 (CLN1). Also called: PPT1-Related Neuronal Ceroid-Lipofuscinosis; CEROID LIPOFUSCINOSIS, NEURONAL, 1, VARIABLE AGE AT ONSET. Identifiers: Orphanet 228329, MedGen C1850451, MONDO:0009744, OMIM 256730.

Allele frequency attached by ClinVar (database versions not stated): ExAC 0.00001; gnomAD 0.00001; gnomAD exomes 0.00001; TOPMed 0.00002.
gnomAD v4.1: 11 of 1,614,010 alleles (0.00068%); highest among the groups gnomAD compares: Admixed American, 0.0033%; no homozygotes.

Submission:

Labcorp Genetics (formerly Invitae), Labcorp
Classification: Uncertain significance for Neuronal ceroid lipofuscinosis 1. Last evaluated: 2022-08-16. Review status: criteria provided, single submitter. Criteria: Invitae Variant Classification Sherloc (09022015). Collection method: clinical testing. Allele origin: germline.
Comment: This sequence change replaces proline, which is neutral and non-polar, with leucine, which is neutral and non-polar, at codon 30 of the PPT1 protein (p.Pro30Leu). This variant is present in population databases (rs757268571, gnomAD 0.006%). This variant has not been reported in the literature in individuals affected with PPT1-related conditions. ClinVar contains an entry for this variant (Variation ID: 1439277). Advanced modeling of protein sequence and biophysical properties (such as structural, functional, and spatial information, amino acid conservation, physicochemical variation, residue mobility, and thermodynamic stability) performed at Invitae indicates that this missense variant is not expected to disrupt PPT1 protein function. In summary, the available evidence is currently insufficient to determine the role of this variant in disease. Therefore, it has been classified as a Variant of Uncertain Significance.